The following is an entry in ClinVar:

NM_001267550.2(TTN):c.47125_47126del (p.Asp15709fs)

Genes: TTN (titin; minus strand), TTN-AS1 (TTN antisense RNA 1; plus strand). Cytogenetic location: 2q31.2.
Variant type: Deletion.
Coding change: c.47125_47126del on transcript NM_001267550.2 (MANE Select); coding-DNA positions 47125 to 47126, 2 bases deleted (GA; older notation c.47125_47126delGA).
Protein change: p.Asp15709fs; shifts the reading frame from aspartic acid 15709.
Molecular consequence: frameshift variant.
Genome position (GRCh38, 1-based): chr2:178,618,332-178,618,333, TC deleted on the plus strand (GA on the coding strand, the reverse complement: TTN is on the minus strand); deleting any 2 consecutive bases within chr2:178,618,332-178,618,334 gives the same sequence; the c. name uses the placement nearest the transcript's 3' end. VCF-style (leftmost placement, unchanged base first): chr2-178618331-GTC-G. GRCh37 (hg19) VCF-style: chr2-179483058-GTC-G.
Other names: c.42202_42203del, p.Asp14068fs (NM_001256850.1); c.19930_19931del, p.Asp6644fs (NM_003319.4); c.39421_39422del, p.Asp13141fs (NM_133378.4); c.20305_20306del, p.Asp6769fs (NM_133432.3); c.20506_20507del, p.Asp6836fs (NM_133437.4); c.19930_19931delGA (NM_003319.4); short protein forms D13141fs, D14068fs, D15709fs, D6644fs, D6769fs, D6836fs.
Identifiers: ClinVar variation 3223212 (VCV003223212.1), dbSNP rs2470897479, ClinGen allele CA2825001035.

ClinVar aggregate classification (germline): Likely pathogenic (1 of 4 stars; one submission).

Conditions:
Cardiovascular phenotype. Identifiers: MedGen CN230736.

Submission:

Ambry Genetics
Classification: Likely pathogenic for Cardiovascular phenotype. Last evaluated: 2024-02-27. Review status: criteria provided, single submitter. Criteria: Ambry Variant Classification Scheme 2023. Collection method: clinical testing. Allele origin: germline.
Comment: The c.19930_19931delGA variant, located in coding exon 79 of the TTN gene, results from a deletion of two nucleotides at nucleotide positions 19930 to 19931, causing a translational frameshift with a predicted alternate stop codon (p.D6644Pfs*6). This exon is located in the A-band region of the N2-B isoform of the titin protein and is constitutively expressed in TTN transcripts (percent spliced in or PSI 100%). This alteration is expected to result in loss of function by premature protein truncation or nonsense-mediated mRNA decay. While truncating variants in TTN are present in 1-3% of the general population, truncating variants in the A-band are the most common cause of dilated cardiomyopathy (DCM) (Herman DS et al. N. Engl. J. Med., 2012 Feb;366:619-28; Roberts AM et al. Sci Transl Med, 2015 Jan;7:270ra6). TTN truncating variants encoded in constitutive exons (PSI >90%) have been found to be significantly associated with DCM regardless of their position in titin (Schafer S et al. Nat. Genet., 2017 01;49:46-53). This variant is considered to be rare based on population cohorts in the Genome Aggregation Database (gnomAD). Based on the majority of available evidence to date, this variant is likely to be pathogenic.